The following is an entry in ClinVar:

ClinVar aggregate classification (germline): Pathogenic (1 of 4 stars; one submission).

Conditions:
Ataxia-telangiectasia syndrome (AT). Also called: Ataxia telangiectasia (A-T); ATAXIA-TELANGIECTASIA, COMPLEMENTATION GROUP A; ATAXIA-TELANGIECTASIA, FRESNO VARIANT; Ataxia-telangiectasia; Ataxia-telangiectasia, complementation group E; LOUIS-BAR SYNDROME. Identifiers: Orphanet 100, MedGen C0004135, MONDO:0008840, OMIM 208900.

Submission:

Labcorp Genetics (formerly Invitae), Labcorp
Classification: Pathogenic for Ataxia-telangiectasia syndrome. Last evaluated: 2021-10-18. Review status: criteria provided, single submitter. Criteria: Invitae Variant Classification Sherloc (09022015). Collection method: clinical testing. Allele origin: germline.
Comment: For these reasons, this variant has been classified as Pathogenic. Loss-of-function variants in ATM are known to be pathogenic (PMID: 23807571, 25614872). This variant has not been reported in the literature in individuals with ATM-related conditions. This variant is not present in population databases (ExAC no frequency). This sequence change creates a premature translational stop signal (p.Leu2557Cysfs*7) in the ATM gene. It is expected to result in an absent or disrupted protein product.

Literature cited by the submitters: PubMed 23807571; PubMed 25614872.

NM_000051.4(ATM):c.7670del (p.Leu2557fs)

Genes: ATM (ATM serine/threonine kinase; plus strand), C11orf65 (chromosome 11 open reading frame 65; minus strand). Cytogenetic location: 11q22.3.
Variant type: Deletion.
Coding change: c.7670del on transcript NM_000051.4 (MANE Select); coding-DNA position 7670, one base deleted (T; older notation c.7670delT).
Protein change: p.Leu2557fs; shifts the reading frame from leucine 2557.
Molecular consequence: frameshift variant. On other transcripts: intron variant (2).
Genome position (GRCh38, 1-based): chr11:108,331,919, T deleted; the last of 3 consecutive T bases (chr11:108,331,917-108,331,919); deleting any one gives the same sequence. VCF-style (leftmost placement, unchanged base first): chr11-108331916-CT-C. GRCh37 (hg19) VCF-style: chr11-108202643-CT-C.
Other names: c.7670del, p.Leu2557fs (NM_001351834.2); c.641-22846del (NM_001330368.2); c.*38+3303del (NM_001351110.2); short protein forms L2557fs.
Identifiers: ClinVar variation 1074203 (VCV001074203.8), dbSNP rs1565533778, ClinGen allele CA2499220715.
Genomic context (GRCh38, chr11:108,331,916, plus strand): 5'-ATCTAATAGTTCTTTTCTTACAGCTAATCTCTAGAATTTCAATGGATCACCCCCATCACA[CT>C]TTGTTTATTATACTGGCCTTAGCAAATGCAAACAGAGATGAATTTCTGACTAAACCAGAG-3'